The following is an entry in ClinVar:

ClinVar aggregate classification (germline): Likely benign. Review status: criteria provided, multiple submitters, no conflicts (2 of 4 stars). 2 submissions from 2 submitters: Likely benign (2). Last evaluated 2025-11-19.

Conditions:
Nemaline myopathy 2 (NEM2). Also called: Nemaline myopathy 2, autosomal recessive. Identifiers: MedGen C1850569, MONDO:0009725, OMIM 256030.

Allele frequency attached by ClinVar (database versions not stated): ExAC 0.00001; gnomAD exomes 0.00002.
gnomAD v4.1: 5 of 1,555,824 alleles (0.00032%); highest among the groups gnomAD compares: South Asian, 0.0056%; no homozygotes.

Submissions (2):

Labcorp Genetics (formerly Invitae), Labcorp
Classification: Likely benign for Nemaline myopathy 2. Last evaluated: 2025-11-19. Review status: criteria provided, single submitter. Criteria: Invitae Variant Classification Sherloc (09022015). Collection method: clinical testing. Allele origin: germline.

GeneDx
Classification: Likely benign. Last evaluated: 2016-02-18. Review status: criteria provided, single submitter. Criteria: GeneDx Variant Classification (06012015). Collection method: clinical testing. Allele origin: germline. Affected: yes.
Comment: This variant is considered likely benign or benign based on one or more of the following criteria: it is a conservative change, it occurs at a poorly conserved position in the protein, it is predicted to be benign by multiple in silico algorithms, and/or has population frequency not consistent with disease.

NM_001164508.2(NEB):c.23835+14T>G

Genes: NEB (nebulin; minus strand), RIF1 (replication timing regulatory factor 1; plus strand). Cytogenetic location: 2q23.3.
Variant type: single nucleotide variant.
Coding change: c.23835+14T>G on transcript NM_001164508.2 (MANE Select); 14 bases into the intron after coding-DNA position 23835, T replaced by G.
Molecular consequence: intron variant.
Genome position (GRCh38, 1-based): chr2:151,503,335, A>C on the plus strand (T>G on the coding strand, the complement: NEB is on the minus strand). VCF-style: chr2-151503335-A-C. GRCh37 (hg19) VCF-style: chr2-152359849-A-C.
Other names: c.18732+14T>G (NM_004543.5); c.23835+14T>G (NM_001164507.2); c.23940+14T>G (NM_001271208.2).
Identifiers: ClinVar variation 382680 (VCV000382680.4), dbSNP rs754114947, ClinGen allele CA1906229.